The following is an entry in ClinVar:

NM_145262.4(GLYCTK):c.821A>G (p.Tyr274Cys)

Gene: GLYCTK (glycerate kinase; plus strand). Cytogenetic location: 3p21.2.
Variant type: single nucleotide variant.
Coding change: c.821A>G on transcript NM_145262.4 (MANE Select); coding-DNA position 821, A replaced by G.
Protein change: p.Tyr274Cys; replaces tyrosine 274 with cysteine.
Molecular consequence: missense variant. On other transcripts: synonymous variant (1), non-coding transcript variant (3).
Genome position (GRCh38, 1-based): chr3:52,292,375, A>G. VCF-style: chr3-52292375-A-G. GRCh37 (hg19) VCF-style: chr3-52326391-A-G.
Other names: c.645A>G, p.Leu215= (NM_001144951.2); short protein forms Y274C.
Identifiers: ClinVar variation 2060443 (VCV002060443.5), dbSNP rs1412679010, ClinGen allele CA353073527.

ClinVar aggregate classification (germline): Uncertain significance. Review status: criteria provided, multiple submitters, no conflicts (2 of 4 stars). 2 submissions from 2 submitters: Uncertain significance (2). Last evaluated 2022-03-19.

Allele frequency attached by ClinVar (database versions not stated): gnomAD exomes 0.00001.
gnomAD v4.1: 6 of 1,613,916 alleles (0.00037%); highest among the groups gnomAD compares: Admixed American, 0.0067%; no homozygotes.

Submissions (2):

Labcorp Genetics (formerly Invitae), Labcorp
Classification: Uncertain significance. Last evaluated: 2022-03-19. Review status: criteria provided, single submitter. Criteria: Invitae Variant Classification Sherloc (09022015). Collection method: clinical testing. Allele origin: germline.
Comment: Algorithms developed to predict the effect of missense changes on protein structure and function (SIFT, PolyPhen-2, Align-GVGD) all suggest that this variant is likely to be disruptive. In summary, the available evidence is currently insufficient to determine the role of this variant in disease. Therefore, it has been classified as a Variant of Uncertain Significance. This variant has not been reported in the literature in individuals affected with GLYCTK-related conditions. This variant is present in population databases (no rsID available, gnomAD 0.009%). This sequence change replaces tyrosine, which is neutral and polar, with cysteine, which is neutral and slightly polar, at codon 274 of the GLYCTK protein (p.Tyr274Cys).

Ambry Genetics
Classification: Uncertain significance. Last evaluated: 2021-07-20. Review status: criteria provided, single submitter. Criteria: Ambry Variant Classification Scheme 2023. Collection method: clinical testing. Allele origin: germline.